The following is an entry in ClinVar:

NM_000095.3(COMP):c.1581_1586del (p.Leu528_Thr529del)

Gene: COMP (cartilage oligomeric matrix protein; minus strand). Cytogenetic location: 19p13.11.
Variant type: Deletion.
Coding change: c.1581_1586del on transcript NM_000095.3 (MANE Select); coding-DNA positions 1581 to 1586, 6 bases deleted (GCTCAC; older notation c.1581_1586delGCTCAC).
Protein change: p.Leu528_Thr529del.
Molecular consequence: inframe deletion.
Genome position (GRCh38, 1-based): chr19:18,785,755-18,785,760, GTGAGC deleted on the plus strand (GCTCAC on the coding strand, the reverse complement: COMP is on the minus strand); deleting any 6 consecutive bases within chr19:18,785,755-18,785,764 gives the same sequence; the c. name uses the placement nearest the transcript's 3' end. VCF-style (leftmost placement, unchanged base first): chr19-18785754-GGTGAGC-G. GRCh37 (hg19) VCF-style: chr19-18896564-GGTGAGC-G.
Identifiers: ClinVar variation 1521372 (VCV001521372.8), dbSNP rs2145900421, ClinGen allele CA2573156199.
Genomic context (GRCh38, chr19:18,785,754, plus strand): 5'-GGGGTCAATCTGCGCGTCACCCTCCGGGTCCAGCACGACTGTCTGGAAGGCCCTGAAGTC[GGTGAGC>G]GTGACTTCAGCGTTCTCCGGACACACGTCGATCTTGTCTACCACCTTGTCTGCATCAAAG-3'

ClinVar aggregate classification (germline): Uncertain significance (1 of 4 stars; one submission).

Submission:

Labcorp Genetics (formerly Invitae), Labcorp
Classification: Uncertain significance. Last evaluated: 2022-03-03. Review status: criteria provided, single submitter. Criteria: Invitae Variant Classification Sherloc (09022015). Collection method: clinical testing. Allele origin: germline.
Comment: This variant has been observed in individual(s) with clinical features of pseudoachondroplasia (Invitae). In summary, the available evidence is currently insufficient to determine the role of this variant in disease. Therefore, it has been classified as a Variant of Uncertain Significance. Experimental studies and prediction algorithms are not available or were not evaluated, and the functional significance of this variant is currently unknown. This variant is not present in population databases (gnomAD no frequency). This variant, c.1581_1586del, results in the deletion of 2 amino acid(s) of the COMP protein (p.Leu528_Thr529del), but otherwise preserves the integrity of the reading frame.